The following is an entry in ClinVar:

ClinVar aggregate classification (germline): Uncertain significance (1 of 4 stars; one submission).

gnomAD v4.1: 1 of 1,613,988 alleles (0.000062%); no homozygotes.

Submission:

Labcorp Genetics (formerly Invitae), Labcorp
Classification: Uncertain significance. Last evaluated: 2023-12-04. Review status: criteria provided, single submitter. Criteria: Invitae Variant Classification Sherloc (09022015). Collection method: clinical testing. Allele origin: germline.
Comment: This sequence change replaces alanine, which is neutral and non-polar, with serine, which is neutral and polar, at codon 876 of the DCHS1 protein (p.Ala876Ser). This variant is not present in population databases (gnomAD no frequency). This variant has not been reported in the literature in individuals affected with DCHS1-related conditions. Algorithms developed to predict the effect of missense changes on protein structure and function output the following: SIFT: "Not Available"; PolyPhen-2: "Benign"; Align-GVGD: "Not Available". The serine amino acid residue is found in multiple mammalian species, which suggests that this missense change does not adversely affect protein function. In summary, the available evidence is currently insufficient to determine the role of this variant in disease. Therefore, it has been classified as a Variant of Uncertain Significance.

NM_003737.4(DCHS1):c.2626G>T (p.Ala876Ser)

Gene: DCHS1 (dachsous cadherin-related 1; minus strand). Cytogenetic location: 11p15.4.
Variant type: single nucleotide variant.
Coding change: c.2626G>T on transcript NM_003737.4 (MANE Select); coding-DNA position 2626, G replaced by T.
Protein change: p.Ala876Ser; replaces alanine 876 with serine.
Molecular consequence: missense variant.
Genome position (GRCh38, 1-based): chr11:6,632,886, C>A on the plus strand (G>T on the coding strand, the complement: DCHS1 is on the minus strand). VCF-style: chr11-6632886-C-A. GRCh37 (hg19) VCF-style: chr11-6654117-C-A.
Other names: short protein forms A876S.
Identifiers: ClinVar variation 2771452 (VCV002771452.3), dbSNP rs961424963, ClinGen allele CA379420260.
Genomic context (GRCh38, chr11:6,632,886, plus strand): 5'-CAGGAAAGGCAGGGGAGTTGTCATTCACATCATCCAGCAGCACACGCACCCGAGCTACAG[C>A]GAAAGCTGGGGGCACTCCACTGCCTGCTCGCACCTCCAGCTCCAACACTGGTCCCAGTAG-3'
Protein context (NP_003728.1, residues 866-886): RAGSGVPPAF[Ala876Ser]VARVRVLLDD